The following is an entry in ClinVar:

ClinVar aggregate classification (germline): Conflicting classifications of pathogenicity. Review status: criteria provided, conflicting classifications (1 of 4 stars). 6 submissions from 6 submitters: Likely pathogenic (1); Uncertain significance (4). 1 of the submissions does not count toward it. Last evaluated 2025-02-12.

Conditions:
Ovarian cancer. Also called: OVARIAN CANCER, SOMATIC. Identifiers: Orphanet 213500, MedGen C1140680, MONDO:0008170, OMIM 167000.
Baller-Gerold syndrome (BGS). Also called: CRANIOSYNOSTOSIS WITH RADIAL DEFECTS. Identifiers: Orphanet 1225, MedGen C0265308, MONDO:0009039, OMIM 218600.

Allele frequency attached by ClinVar (database versions not stated): ExAC 0.00002; gnomAD exomes 0.00002; gnomAD 0.00003; TOPMed 0.00008.
gnomAD v4.1: 30 of 1,608,284 alleles (0.0019%); highest among the groups gnomAD compares: African/African-American, 0.0067%; no homozygotes.

Submissions (6):

GeneDx
Classification: Uncertain significance. Last evaluated: 2025-02-12. Review status: criteria provided, single submitter. Criteria: GeneDx Variant Classification Process June 2021. Collection method: clinical testing. Allele origin: germline. Affected: yes.
Comment: In silico analysis supports that this missense variant has a deleterious effect on protein structure/function; Has not been previously published as pathogenic or benign to our knowledge; In silico analysis suggests this variant may impact gene splicing. In the absence of RNA/functional studies, the actual effect of this sequence change is unknown.

CeGaT Center for Human Genetics Tuebingen
Classification: Uncertain significance. Last evaluated: 2024-11-01. Review status: criteria provided, single submitter. Criteria: CeGaT Center For Human Genetics Tuebingen Variant Classification Criteria Version 2. Collection method: clinical testing. Allele origin: germline. Affected: yes. Observed: 1 variant allele.
Comment: RECQL4: PM2

Labcorp Genetics (formerly Invitae), Labcorp
Classification: Uncertain significance for Baller-Gerold syndrome. Last evaluated: 2023-11-13. Review status: criteria provided, single submitter. Criteria: Invitae Variant Classification Sherloc (09022015). Collection method: clinical testing. Allele origin: germline.
Comment: This sequence change replaces glycine, which is neutral and non-polar, with arginine, which is basic and polar, at codon 1086 of the RECQL4 protein (p.Gly1086Arg). This variant is present in population databases (rs587778646, gnomAD 0.004%). This variant has not been reported in the literature in individuals affected with RECQL4-related conditions. ClinVar contains an entry for this variant (Variation ID: 135149). Advanced modeling of protein sequence and biophysical properties (such as structural, functional, and spatial information, amino acid conservation, physicochemical variation, residue mobility, and thermodynamic stability) performed at Invitae indicates that this missense variant is not expected to disrupt RECQL4 protein function with a negative predictive value of 80%. Algorithms developed to predict the effect of sequence changes on RNA splicing suggest that this variant may create or strengthen a splice site. In summary, the available evidence is currently insufficient to determine the role of this variant in disease. Therefore, it has been classified as a Variant of Uncertain Significance.

Laboratory of Molecular Epidemiology of Birth Defects, West China Second University Hospital, Sichuan University
Classification: Likely pathogenic for Ovarian cancer. Last evaluated: 2022-01-01. Review status: criteria provided, single submitter. Criteria: ACMG Guidelines, 2015. Collection method: clinical testing. Allele origin: germline. Affected: yes.

Breakthrough Genomics
Classification: Uncertain significance. Review status: criteria provided, single submitter. Criteria: ACMG Guidelines, 2015. Collection method: not provided. Allele origin: germline. Inheritance: Autosomal recessive inheritance. Affected: yes.

ITMI
No classification provided. Condition: AllHighlyPenetrant. Last evaluated: 2013-09-19. Review status: no classification provided. Collection method: reference population. Allele origin: germline. Not counted in ClinVar's aggregate classification.
Comment: Please see associated publication for description of ethnicities

Literature cited by the submitters: PubMed 24728327 (cited by ITMI).

NM_004260.4(RECQL4):c.3256G>A (p.Gly1086Arg)

Gene: RECQL4 (RecQ like helicase 4; minus strand). Cytogenetic location: 8q24.3.
Variant type: single nucleotide variant.
Coding change: c.3256G>A on transcript NM_004260.4 (MANE Select); coding-DNA position 3256, G replaced by A.
Protein change: p.Gly1086Arg; replaces glycine 1086 with arginine.
Molecular consequence: missense variant.
Genome position (GRCh38, 1-based): chr8:144,512,048, C>T on the plus strand (G>A on the coding strand, the complement: RECQL4 is on the minus strand). VCF-style: chr8-144512048-C-T. GRCh37 (hg19) VCF-style: chr8-145737431-C-T.
Other names: short protein forms G1086R.
Identifiers: ClinVar variation 135149 (VCV000135149.26), dbSNP rs587778646, ClinGen allele CA161855.